The following is an entry in ClinVar:

ClinVar aggregate classification (germline): Pathogenic (1 of 4 stars; one submission).

Conditions:
Familial adenomatous polyposis 4 (FAP4). Also called: MSH3-related attenuated familial adenomatous polyposis. Identifiers: Orphanet 480536, MedGen C4310719, MONDO:0044300, OMIM 617100.

Submission:

Myriad Genetics, Inc.
Classification: Pathogenic for Familial adenomatous polyposis 4. Last evaluated: 2023-08-30. Review status: criteria provided, single submitter. Criteria: Myriad Autosomal Dominant, Autosomal Recessive and X-Linked Classification Criteria (2023). Collection method: clinical testing. Allele origin: unknown.
Comment: This variant is considered pathogenic. This variant creates a termination codon and is predicted to result in premature protein truncation.

NM_002439.5(MSH3):c.2367_2368del (p.Tyr789_Arg790delinsTer)

Gene: MSH3 (mutS homolog 3; plus strand). Cytogenetic location: 5q14.1.
Variant type: Deletion.
Coding change: c.2367_2368del on transcript NM_002439.5 (MANE Select); coding-DNA positions 2367 to 2368, 2 bases deleted (CA; older notation c.2367_2368delCA).
Protein change: p.Tyr789_Arg790delinsTer.
Molecular consequence: nonsense.
Genome position (GRCh38, 1-based): chr5:80,778,768-80,778,769, CA deleted; deleting any 2 consecutive bases within chr5:80,778,767-80,778,769 gives the same sequence; the c. name uses the placement nearest the transcript's 3' end. VCF-style (leftmost placement, unchanged base first): chr5-80778766-TAC-T. GRCh37 (hg19) VCF-style: chr5-80074585-TAC-T.
Identifiers: ClinVar variation 2673565 (VCV002673565.1), dbSNP rs2546779547, ClinGen allele CA2695198677.